The following is an entry in ClinVar:

ClinVar aggregate classification (germline): Uncertain significance (1 of 4 stars; one submission).

Conditions:
Developmental and epileptic encephalopathy, 11 (DEE11). Also called: Early infantile epileptic encephalopathy 11. Identifiers: Orphanet 1934, MedGen C3150987, MONDO:0013388, OMIM 613721.
Seizures, benign familial infantile, 3 (BFIS3). Also called: CONVULSIONS, BENIGN FAMILIAL INFANTILE, 3; Familial neonatal seizures. Identifiers: Orphanet 140927, Orphanet 306, MedGen C1843140, MONDO:0011904, OMIM 607745.

Submission:

Labcorp Genetics (formerly Invitae), Labcorp
Classification: Uncertain significance for Seizures, benign familial infantile, 3; Developmental and epileptic encephalopathy, 11. Last evaluated: 2024-07-06. Review status: criteria provided, single submitter. Criteria: Invitae Variant Classification Sherloc (09022015). Collection method: clinical testing. Allele origin: germline.
Comment: This sequence change replaces serine, which is neutral and polar, with asparagine, which is neutral and polar, at codon 788 of the SCN2A protein (p.Ser788Asn). This variant is not present in population databases (gnomAD no frequency). This variant has not been reported in the literature in individuals affected with SCN2A-related conditions. Advanced modeling of protein sequence and biophysical properties (such as structural, functional, and spatial information, amino acid conservation, physicochemical variation, residue mobility, and thermodynamic stability) performed at Invitae indicates that this missense variant is not expected to disrupt SCN2A protein function with a negative predictive value of 80%. In summary, the available evidence is currently insufficient to determine the role of this variant in disease. Therefore, it has been classified as a Variant of Uncertain Significance.

NM_001040142.2(SCN2A):c.2363G>A (p.Ser788Asn)

Gene: SCN2A (sodium voltage-gated channel alpha subunit 2; plus strand). Cytogenetic location: 2q24.3.
Variant type: single nucleotide variant.
Coding change: c.2363G>A on transcript NM_001040142.2 (MANE Select); coding-DNA position 2363, G replaced by A.
Protein change: p.Ser788Asn; replaces serine 788 with asparagine.
Molecular consequence: missense variant.
Genome position (GRCh38, 1-based): chr2:165,331,543, G>A. VCF-style: chr2-165331543-G-A. GRCh37 (hg19) VCF-style: chr2-166188053-G-A.
Other names: c.2363G>A, p.Ser788Asn (NM_001040143.2, NM_001371246.1, NM_001371247.1 and 1 more transcripts); short protein forms S788N.
Identifiers: ClinVar variation 3757152 (VCV003757152.2).